The following is an entry in ClinVar:

ClinVar aggregate classification (germline): Uncertain significance (1 of 4 stars; one submission).

Submission:

Labcorp Genetics (formerly Invitae), Labcorp
Classification: Uncertain significance. Last evaluated: 2025-12-18. Review status: criteria provided, single submitter. Criteria: Invitae Variant Classification Sherloc (09022015). Collection method: clinical testing. Allele origin: germline.
Comment: This sequence change replaces leucine, which is neutral and non-polar, with valine, which is neutral and non-polar, at codon 314 of the DNAJC21 protein (p.Leu314Val). This variant is not present in population databases (gnomAD no frequency). This variant has not been reported in the literature in individuals affected with DNAJC21-related conditions. An algorithm developed to predict the effect of missense changes on protein structure and function (PolyPhen-2) suggests that this variant is likely to be disruptive. In summary, the available evidence is currently insufficient to determine the role of this variant in disease. Therefore, it has been classified as a Variant of Uncertain Significance.

NM_001012339.3(DNAJC21):c.940C>G (p.Leu314Val)

Gene: DNAJC21 (DnaJ heat shock protein family (Hsp40) member C21; plus strand). Cytogenetic location: 5p13.2.
Variant type: single nucleotide variant.
Coding change: c.940C>G on transcript NM_001012339.3 (MANE Select); coding-DNA position 940, C replaced by G.
Protein change: p.Leu314Val; replaces leucine 314 with valine.
Molecular consequence: missense variant.
Genome position (GRCh38, 1-based): chr5:34,941,140, C>G. VCF-style: chr5-34941140-C-G. GRCh37 (hg19) VCF-style: chr5-34941245-C-G.
Other names: c.940C>G, p.Leu314Val (NM_001348420.2, NM_194283.4); short protein forms L314V.
Identifiers: ClinVar variation 4692470 (VCV004692470.1).